The following is an entry in ClinVar:

ClinVar aggregate classification (germline): Uncertain significance (1 of 4 stars; one submission).

Submission:

CeGaT Center for Human Genetics Tuebingen
Classification: Uncertain significance. Last evaluated: 2026-06-01. Review status: criteria provided, single submitter. Criteria: CeGaT Center For Human Genetics Tuebingen Variant Classification Criteria Version 2. Collection method: clinical testing. Allele origin: germline. Affected: yes. Observed: 1 variant allele.
Comment: RFX3: PM2, BP4

NM_001282116.2(RFX3):c.549+3A>G

Gene: RFX3 (regulatory factor X3; minus strand). Cytogenetic location: 9p24.2.
Variant type: single nucleotide variant.
Coding change: c.549+3A>G on transcript NM_001282116.2 (MANE Select); 3 bases into the intron after coding-DNA position 549, A replaced by G.
Molecular consequence: intron variant.
Genome position (GRCh38, 1-based): chr9:3,301,543, T>C on the plus strand (A>G on the coding strand, the complement: RFX3 is on the minus strand). VCF-style: chr9-3301543-T-C. GRCh37 (hg19) VCF-style: chr9-3301543-T-C.
Other names: c.549+3A>G (NM_001377999.1, NM_134428.3, NM_002919.4 and 1 more transcripts).
Identifiers: ClinVar variation 4875350 (VCV004875350.2).